The following is an entry in ClinVar:

NM_007294.4(BRCA1):c.3859G>A (p.Glu1287Lys)

Genes: BRCA1 (BRCA1 DNA repair associated; minus strand), LOC126862571 (BRD4-independent group 4 enhancer GRCh37_chr17:41243136-41244335; plus strand). Cytogenetic location: 17q21.31.
Variant type: single nucleotide variant.
Coding change: c.3859G>A on transcript NM_007294.4 (MANE Select); coding-DNA position 3859, G replaced by A.
Protein change: p.Glu1287Lys; replaces glutamic acid 1287 with lysine.
Molecular consequence: missense variant. On other transcripts: intron variant (135).
Genome position (GRCh38, 1-based): chr17:43,091,672, C>T on the plus strand (G>A on the coding strand, the complement: BRCA1 is on the minus strand). VCF-style: chr17-43091672-C-T. GRCh37 (hg19) VCF-style: chr17-41243689-C-T.
Other names: c.3736G>A, p.Glu1246Lys (NM_001407680.1, NM_001407681.1, NM_001407682.1 and 19 more transcripts); c.3715G>A, p.Glu1239Lys (NM_001407748.1, NM_001407749.1, NM_001407838.1 and 20 more transcripts); c.3646G>A, p.Glu1216Lys (NM_001407899.1, NM_001407915.1, NM_001407916.1 and 9 more transcripts); c.3649G>A, p.Glu1217Lys (NM_001407900.1, NM_001407902.1, NM_001407904.1 and 13 more transcripts); c.3718G>A, p.Glu1240Lys (NM_001407750.1, NM_001407751.1, NM_001407752.1 and 29 more transcripts); c.3859G>A, p.Glu1287Lys (NM_001407684.1, NM_001407854.1, NM_001407858.1 and 30 more transcripts); c.3733G>A, p.Glu1245Lys (NM_001407685.1, NM_001407686.1, NM_001407687.1 and 11 more transcripts); c.3595G>A, p.Glu1199Lys (NM_001407920.1, NM_001407921.1, NM_001407922.1 and 9 more transcripts); and 41 more; short protein forms E1287K, E1240K, E1216K, E1239K, E1245K, E1284K, E419K, E1220K.
Identifiers: ClinVar variation 440469 (VCV000440469.8), dbSNP rs1555586934, ClinGen allele CA10594245.

ClinVar aggregate classification (germline): Conflicting classifications of pathogenicity. Review status: criteria provided, conflicting classifications (1 of 4 stars). 4 submissions from 4 submitters: Uncertain significance (3); Likely benign (1). Last evaluated 2026-07-24.

Conditions:
Hereditary breast ovarian cancer syndrome. Also called: Hereditary breast and/or ovarian cancer syndrome; BRCA1- and BRCA2-Associated Hereditary Breast and Ovarian Cancer; Hereditary breast and ovarian cancer syndrome; Breast and ovarian cancer; Hereditary breast and ovarian cancer; Hereditary breast and ovarian cancer syndrome (HBOC). Identifiers: Orphanet 145, MedGen C0677776, MeSH D061325, MONDO:0003582. Disease mechanism: loss of function.
Hereditary cancer-predisposing syndrome. Also called: Neoplastic Syndromes, Hereditary; Hereditary neoplastic syndrome; Hereditary Cancer Syndrome; Tumor predisposition. Identifiers: Orphanet 140162, MedGen C0027672, MeSH D009386, MONDO:0015356.

Allele frequency attached by ClinVar (database versions not stated): gnomAD exomes below 0.00001.
gnomAD v4.1: 1 of 1,614,242 alleles (0.000062%); highest among the groups gnomAD compares: Admixed American, 0.0017%; no homozygotes.

Submissions (4):

Ambry Genetics
Classification: Uncertain significance for Hereditary cancer-predisposing syndrome. Last evaluated: 2026-07-24. Review status: criteria provided, single submitter. Criteria: Ambry Variant Classification Scheme 2023. Collection method: clinical testing. Allele origin: germline.
Comment: The p.E1287K variant (also known as c.3859G>A), located in coding exon 9 of the BRCA1 gene, results from a G to A substitution at nucleotide position 3859. The glutamic acid at codon 1287 is replaced by lysine, an amino acid with similar properties. This amino acid position is not well conserved in available vertebrate species. In addition, the in silico prediction for this alteration is inconclusive. Based on the available evidence, the clinical significance of this variant remains unclear.

Labcorp Genetics (formerly Invitae), Labcorp
Classification: Uncertain significance for Hereditary breast ovarian cancer syndrome. Last evaluated: 2024-11-18. Review status: criteria provided, single submitter. Criteria: Invitae Variant Classification Sherloc (09022015). Collection method: clinical testing. Allele origin: germline.
Comment: This sequence change replaces glutamic acid, which is acidic and polar, with lysine, which is basic and polar, at codon 1287 of the BRCA1 protein (p.Glu1287Lys). This variant is not present in population databases (gnomAD no frequency). This variant has not been reported in the literature in individuals affected with BRCA1-related conditions. ClinVar contains an entry for this variant (Variation ID: 440469). Invitae Evidence Modeling of protein sequence and biophysical properties (such as structural, functional, and spatial information, amino acid conservation, physicochemical variation, residue mobility, and thermodynamic stability) indicates that this missense variant is expected to disrupt BRCA1 protein function with a positive predictive value of 80%. In summary, the available evidence is currently insufficient to determine the role of this variant in disease. Therefore, it has been classified as a Variant of Uncertain Significance.

University of Washington Department of Laboratory Medicine, University of Washington
Classification: Likely benign for Hereditary cancer-predisposing syndrome. Last evaluated: 2023-03-23. Review status: criteria provided, single submitter. Criteria: Dines et al. (Genet Med. 2020). Collection method: curation. Allele origin: germline.
Comment: Missense variant in a coldspot region where missense variants are very unlikely to be pathogenic (PMID:31911673).

BRCA1 coldspot (exon 11 using historical exon numbering). Reclassification based on statistical prior probability

Quest Diagnostics Nichols Institute San Juan Capistrano
Classification: Uncertain significance. Last evaluated: 2017-04-27. Review status: criteria provided, single submitter. Criteria: Quest Diagnostics criteria. Collection method: clinical testing. Allele origin: germline.